The following is an entry in ClinVar:

NM_006005.3(WFS1):c.128C>T (p.Ala43Val)

Gene: WFS1 (wolframin ER transmembrane glycoprotein; plus strand). Cytogenetic location: 4p16.1.
Variant type: single nucleotide variant.
Coding change: c.128C>T on transcript NM_006005.3 (MANE Select); coding-DNA position 128, C replaced by T.
Protein change: p.Ala43Val; replaces alanine 43 with valine.
Molecular consequence: missense variant.
Genome position (GRCh38, 1-based): chr4:6,277,583, C>T. VCF-style: chr4-6277583-C-T. GRCh37 (hg19) VCF-style: chr4-6279310-C-T.
Other names: c.128C>T, p.Ala43Val (NM_001145853.1); short protein forms A43V.
Identifiers: ClinVar variation 166568 (VCV000166568.6), dbSNP rs727503746, ClinGen allele CA179627.
Genomic context (GRCh38, chr4:6,277,583, plus strand): 5'-CGCGTTCCCGACTCAATGCCACAGCCTCGTTGGAGCAGGAGAGGAGCGAAAGGCCCCGAG[C>T]ACCCGGACCCCAGGCTGGCCCTGGCCCTGGTGTTAGAGACGCAGCGGCCCCCGCTGAACC-3'
Protein context (NP_005996.2, residues 33-53): LEQERSERPR[Ala43Val]PGPQAGPGPG

ClinVar aggregate classification (germline): Conflicting classifications of pathogenicity. Review status: criteria provided, conflicting classifications (1 of 4 stars). 2 submissions from 2 submitters: Uncertain significance (1); Likely benign (1). Last evaluated 2013-11-06.

Conditions:
Wolfram syndrome 1 (WFS1). Identifiers: Orphanet 3463, MedGen C4551693, MONDO:0009101, OMIM 222300.

gnomAD v4.1: 6 of 1,582,530 alleles (0.00038%); highest among the groups gnomAD compares: Non-Finnish European, 0.00052%; no homozygotes.

Submissions (2):

Laboratory for Molecular Medicine, Mass General Brigham Personalized Medicine
Classification: Likely benign. Last evaluated: 2013-11-06. Review status: criteria provided, single submitter. Criteria: LMM Criteria. Collection method: clinical testing. Allele origin: germline. Observed: 1 variant allele.
Comment: Ala43Val in Exon 02 of WFS1: This variant is not expected to have clinical signi ficance because the alanine (Ala) residue at position 43 is poorly conserved ac ross several species, with horse and chicken having a valine (Val) at that posit ion. In addition, computational analyses (biochemical amino acid properties, SIF T, PolyPhen2, and AlignGVGD) do not predict an impact to the protein.

Clinical Genomics, Uppaluri K&H Personalized Medicine Clinic
Classification: Uncertain significance for Wolfram syndrome 1. Review status: criteria provided, single submitter. Criteria: K & H Uppaluri Personalized Medicine Clinic Variant Classification & Assertion Criteria_Updated V.1. Collection method: research. Allele origin: unknown. Inheritance: Autosomal recessive inheritance.
Comment: Potent mutations in WFS1 gene are associated with Wolfram's syndrome, an autosomal recessive condition, which cause diabetes mellitus, diabetes insipidus, deafness and optic atrophy. However no sufficient evidence is found to ascertain the role of this particular variant rs727503746 in Wolfram's syndrome yet.

Literature cited by the submitters: PubMed 20738327 (cited by Clinical Genomics, Uppaluri K&H Personalized Medicine Clinic); PubMed 33879153 (cited by Clinical Genomics, Uppaluri K&H Personalized Medicine Clinic); PubMed 12955714 (cited by Clinical Genomics, Uppaluri K&H Personalized Medicine Clinic); PubMed 18060660 (cited by Clinical Genomics, Uppaluri K&H Personalized Medicine Clinic); PubMed 20301750 (cited by Clinical Genomics, Uppaluri K&H Personalized Medicine Clinic); PubMed 17603484 (cited by Clinical Genomics, Uppaluri K&H Personalized Medicine Clinic).